The following is an entry in ClinVar:

NM_001349253.2(SCN11A):c.387-2A>G

Gene: SCN11A (sodium voltage-gated channel alpha subunit 11; minus strand). Cytogenetic location: 3p22.2.
Variant type: single nucleotide variant.
Coding change: c.387-2A>G on transcript NM_001349253.2 (MANE Select); the canonical splice acceptor site of the intron before coding-DNA position 387, A replaced by G.
Molecular consequence: splice acceptor variant.
Genome position (GRCh38, 1-based): chr3:38,945,514, T>C on the plus strand (A>G on the coding strand, the complement: SCN11A is on the minus strand). VCF-style: chr3-38945514-T-C. GRCh37 (hg19) VCF-style: chr3-38987005-T-C.
Other names: c.387-2A>G (NM_014139.3).
Identifiers: ClinVar variation 2323392 (VCV002323392.2), dbSNP rs2470695176, ClinGen allele CA352175467.

ClinVar aggregate classification (germline): Uncertain significance (1 of 4 stars; one submission).

Conditions:
Inborn genetic diseases. Identifiers: MedGen C0950123, MeSH D030342.

Allele frequency attached by ClinVar (database versions not stated): gnomAD exomes below 0.00001.
gnomAD v4.1: 1 of 1,551,096 alleles (0.000064%); highest among the groups gnomAD compares: African/African-American, 0.0014%; no homozygotes.

Submission:

Ambry Genetics
Classification: Uncertain significance for Inborn genetic diseases. Last evaluated: 2022-11-17. Review status: criteria provided, single submitter. Criteria: Ambry Variant Classification Scheme 2023. Collection method: clinical testing. Allele origin: germline.
Comment: Loss of function has not been established as a mechanism of disease Based on insufficient or conflicting evidence, the clinical significance of this alteration remains unclear.